The following is an entry in ClinVar:

ClinVar aggregate classification (germline): Uncertain significance (1 of 4 stars; one submission).

Submission:

GeneDx
Classification: Uncertain significance. Last evaluated: 2022-01-08. Review status: criteria provided, single submitter. Criteria: GeneDx Variant Classification Process June 2021. Collection method: clinical testing. Allele origin: germline. Affected: yes.
Comment: Not observed at significant frequency in large population cohorts (gnomAD); In silico analysis supports that this missense variant has a deleterious effect on protein structure/function; Has not been previously published as pathogenic or benign to our knowledge

NM_001148.6(ANK2):c.338T>A (p.Val113Asp)

Gene: ANK2 (ankyrin 2; plus strand). Cytogenetic location: 4q25.
Variant type: single nucleotide variant.
Coding change: c.338T>A on transcript NM_001148.6 (MANE Select); coding-DNA position 338, T replaced by A.
Protein change: p.Val113Asp; replaces valine 113 with aspartic acid.
Molecular consequence: missense variant.
Genome position (GRCh38, 1-based): chr4:113,199,063, T>A. VCF-style: chr4-113199063-T-A. GRCh37 (hg19) VCF-style: chr4-114120219-T-A.
Other names: c.275T>A, p.Val92Asp (NM_001127493.3, NM_001354239.2, NM_001354243.2 and 33 more transcripts); c.338T>A, p.Val113Asp (NM_001354225.2, NM_001354228.2, NM_001354232.2 and 9 more transcripts); c.383T>A, p.Val128Asp (NM_001354230.2, NM_001354231.2, NM_001354237.2 and 5 more transcripts); c.320T>A, p.Val107Asp (NM_001354261.2, NM_001386147.1, NM_001386160.1); c.326T>A, p.Val109Asp (NM_001354269.3, NM_001386148.2, NM_001386186.2 and 1 more transcripts); c.389T>A, p.Val130Asp (NM_001386174.1, NM_001386175.1); short protein forms V107D, V109D, V113D, V128D, V130D, V92D.
Identifiers: ClinVar variation 1695789 (VCV001695789.2), dbSNP rs2153405330, ClinGen allele CA357993706.